The following is an entry in ClinVar:

NM_005912.3(MC4R):c.107C>G (p.Ser36Cys)

Gene: MC4R (melanocortin 4 receptor; minus strand). Cytogenetic location: 18q21.32.
Variant type: single nucleotide variant.
Coding change: c.107C>G on transcript NM_005912.3 (MANE Select); coding-DNA position 107, C replaced by G.
Protein change: p.Ser36Cys; replaces serine 36 with cysteine.
Molecular consequence: missense variant.
Genome position (GRCh38, 1-based): chr18:60,372,243, G>C on the plus strand (C>G on the coding strand, the complement: MC4R is on the minus strand). VCF-style: chr18-60372243-G-C. GRCh37 (hg19) VCF-style: chr18-58039476-G-C.
Other names: short protein forms S36C.
Identifiers: ClinVar variation 3349535 (VCV003349535.1).
Genomic context (GRCh38, chr18:60,372,243, plus strand): 5'-ACACCCAGAGTCACAAACACCTCAGGAGAGACAAAAAGTTGCTCGTAGCACCCTCCATCA[G>C]AGTAGCCTTTTCCAAGGGACTCACTGGCATTGCTGTGCAGTCTGTAACTGCTGCGGTTCC-3'
Protein context (NP_005903.2, residues 26-46): NASESLGKGY[Ser36Cys]DGGCYEQLFV

ClinVar aggregate classification (germline): Uncertain significance (0 of 4 stars; one submission).

Conditions:
MC4R-related disorder. Also called: MC4R-related condition.

Submission:

PreventionGenetics, part of Exact Sciences
Classification: Uncertain significance for MC4R-related condition. Last evaluated: 2024-01-04. Review status: no assertion criteria provided. Collection method: clinical testing. Allele origin: germline.
Comment: The MC4R c.107C>G variant is predicted to result in the amino acid substitution p.Ser36Cys. To our knowledge, this variant has not been reported in the literature or in a large population database, indicating this variant is rare. At this time, the clinical significance of this variant is uncertain due to the absence of conclusive functional and genetic evidence.